The following is an entry in ClinVar:

ClinVar aggregate classification (germline): Uncertain significance. Review status: criteria provided, multiple submitters, no conflicts (2 of 4 stars). 2 submissions from 2 submitters: Uncertain significance (2). Last evaluated 2024-07-22.

Allele frequency attached by ClinVar (database versions not stated): ExAC 0.00001; gnomAD 0.00001; gnomAD exomes 0.00002.
gnomAD v4.1: 11 of 1,610,462 alleles (0.00068%); highest among the groups gnomAD compares: South Asian, 0.0011%; no homozygotes.

Submissions (2):

Labcorp Genetics (formerly Invitae), Labcorp
Classification: Uncertain significance. Last evaluated: 2024-07-22. Review status: criteria provided, single submitter. Criteria: Invitae Variant Classification Sherloc (09022015). Collection method: clinical testing. Allele origin: germline.
Comment: This sequence change replaces alanine, which is neutral and non-polar, with valine, which is neutral and non-polar, at codon 232 of the OPN1SW protein (p.Ala232Val). This variant is present in population databases (rs763022335, gnomAD 0.003%). This variant has not been reported in the literature in individuals affected with OPN1SW-related conditions. ClinVar contains an entry for this variant (Variation ID: 2307894). An algorithm developed to predict the effect of missense changes on protein structure and function (PolyPhen-2) suggests that this variant is likely to be disruptive. In summary, the available evidence is currently insufficient to determine the role of this variant in disease. Therefore, it has been classified as a Variant of Uncertain Significance.

Ambry Genetics
Classification: Uncertain significance. Last evaluated: 2022-08-17. Review status: criteria provided, single submitter. Criteria: Ambry Variant Classification Scheme 2023. Collection method: clinical testing. Allele origin: germline.

NM_001385125.1(OPN1SW):c.686C>T (p.Ala229Val)

Gene: OPN1SW (opsin 1, short wave sensitive; minus strand). Cytogenetic location: 7q32.1.
Variant type: single nucleotide variant.
Coding change: c.686C>T on transcript NM_001385125.1 (MANE Select); coding-DNA position 686, C replaced by T.
Protein change: p.Ala229Val; replaces alanine 229 with valine.
Molecular consequence: missense variant.
Genome position (GRCh38, 1-based): chr7:128,773,881, G>A on the plus strand (C>T on the coding strand, the complement: OPN1SW is on the minus strand). VCF-style: chr7-128773881-G-A. GRCh37 (hg19) VCF-style: chr7-128413935-G-A.
Other names: NM_001708.2:c.695C>T; short protein forms A229V.
Identifiers: ClinVar variation 2307894 (VCV002307894.4), dbSNP rs763022335, ClinGen allele CA4472853.
Genomic context (GRCh38, chr7:128,773,881, plus strand): 5'-ACCACCATGCGGCTCACCTCCCGTTCAGCCTTCTGGGTCGTAGCTGACTCCTGCTGCTGA[G>A]CTGCAACCTGGGGTGGAGCACGGAAAGCATCACATCTCTCTTTTTCCTGGCCCTCTGGAT-3'
Protein context (NP_001372054.1, residues 219-239): QLLRALKAVA[Ala229Val]QQQESATTQK